The following is an entry in ClinVar:

ClinVar aggregate classification (germline): Pathogenic (1 of 4 stars; one submission).

Submission:

Labcorp Genetics (formerly Invitae), Labcorp
Classification: Pathogenic. Last evaluated: 2022-07-27. Review status: criteria provided, single submitter. Criteria: Invitae Variant Classification Sherloc (09022015). Collection method: clinical testing. Allele origin: germline.
Comment: This sequence change creates a premature translational stop signal (p.Val1021Aspfs*14) in the TEK gene. It is expected to result in an absent or disrupted protein product. Loss-of-function variants in TEK are known to be pathogenic (PMID: 27270174). This variant is not present in population databases (gnomAD no frequency). This variant has not been reported in the literature in individuals affected with TEK-related conditions. ClinVar contains an entry for this variant (Variation ID: 1074388). Algorithms developed to predict the effect of sequence changes on RNA splicing suggest that this variant may disrupt the consensus splice site. For these reasons, this variant has been classified as Pathogenic.

Literature cited by the submitters: PubMed 27270174.

NM_000459.5(TEK):c.3062del (p.Val1021fs)

Gene: TEK (TEK receptor tyrosine kinase; plus strand). Cytogenetic location: 9p21.2.
Variant type: Deletion.
Coding change: c.3062del on transcript NM_000459.5 (MANE Select); coding-DNA position 3062, one base deleted (T; older notation c.3062delT).
Protein change: p.Val1021fs; shifts the reading frame from valine 1021.
Molecular consequence: frameshift variant.
Genome position (GRCh38, 1-based): chr9:27,217,758, T deleted. VCF-style (leftmost placement, unchanged base first): chr9-27217757-GT-G. GRCh37 (hg19) VCF-style: chr9-27217755-GT-G.
Other names: c.2933delT, p.Val978Aspfs (NM_001290077.2); c.2618delT, p.Val873Aspfs (NM_001290078.2); c.3059del, p.Val1020fs (NM_001375475.1); c.2930del, p.Val977fs (NM_001375476.1); short protein forms V1020fs, V1021fs, V873fs, V977fs, V978fs.
Identifiers: ClinVar variation 1074388 (VCV001074388.7), dbSNP rs2131239517, ClinGen allele CA2499219834.